The following is an entry in ClinVar:

NM_001267550.2(TTN):c.78153del (p.Ala26052fs)

Genes: TTN-AS1 (TTN antisense RNA 1; plus strand), TTN (titin; minus strand). Cytogenetic location: 2q31.2.
Variant type: Deletion.
Coding change: c.78153del on transcript NM_001267550.2 (MANE Select); coding-DNA position 78153, one base deleted (A; older notation c.78153delA).
Protein change: p.Ala26052fs; shifts the reading frame from alanine 26052.
Molecular consequence: frameshift variant.
Genome position (GRCh38, 1-based): chr2:178,567,979, T deleted on the plus strand (A on the coding strand, the reverse complement: TTN is on the minus strand); the first of 3 consecutive T bases (chr2:178,567,979-178,567,981); deleting any one gives the same sequence. VCF-style (leftmost placement, unchanged base first): chr2-178567978-CT-C. GRCh37 (hg19) VCF-style: chr2-179432705-CT-C.
Other names: c.73230del, p.Ala24411fs (NM_001256850.1); c.50958del, p.Ala16987fs (NM_003319.4); c.70449del, p.Ala23484fs (NM_133378.4); c.51333del, p.Ala17112fs (NM_133432.3); c.51534del, p.Ala17179fs (NM_133437.4); short protein forms A17112fs, A23484fs, A26052fs, A16987fs, A17179fs, A24411fs.
Identifiers: ClinVar variation 1475284 (VCV001475284.6), dbSNP rs2154166670, ClinGen allele CA2573133021.

ClinVar aggregate classification (germline): Likely pathogenic (1 of 4 stars; one submission).

Conditions:
Dilated cardiomyopathy 1G (CMD1G). Identifiers: Orphanet 154, MedGen C1858763, MONDO:0011400, OMIM 604145.
Autosomal recessive limb-girdle muscular dystrophy type 2J (LGMDR10). Also called: MUSCULAR DYSTROPHY, LIMB-GIRDLE, AUTOSOMAL RECESSIVE 10; Limb-girdle muscular dystrophy, type 2J. Identifiers: Orphanet 140922, MedGen C1837342, MONDO:0012127, OMIM 608807.

Submission:

Labcorp Genetics (formerly Invitae), Labcorp
Classification: Likely pathogenic for Dilated cardiomyopathy 1G; Autosomal recessive limb-girdle muscular dystrophy type 2J. Last evaluated: 2021-08-27. Review status: criteria provided, single submitter. Criteria: Invitae Variant Classification Sherloc (09022015). Collection method: clinical testing. Allele origin: germline.
Comment: This sequence change creates a premature translational stop signal (p.Ala26052Hisfs*22) in the TTN gene. While this is not anticipated to result in nonsense mediated decay, it is expected to create a truncated TTN protein. This variant is not present in population databases (ExAC no frequency). This variant has not been reported in the literature in individuals affected with TTN-related conditions. This variant is located in the A band of TTN (PMID: 25589632). Truncating variants in this region are significantly overrepresented in patients affected with dilated cardiomyopathy (PMID: 25589632). Truncating variants in this region have also been reported in individuals affected with autosomal recessive centronuclear myopathy (PMID: 23975875). In summary, the currently available evidence indicates that the variant is pathogenic, but additional data are needed to prove that conclusively. Therefore, this variant has been classified as Likely Pathogenic.

Literature cited by the submitters: PubMed 25589632; PubMed 23975875.